The following is an entry in ClinVar:

ClinVar aggregate classification (germline): Likely benign (0 of 4 stars; one submission).

Conditions:
MUC16-related disorder. Also called: MUC16-related condition.

Submission:

PreventionGenetics, part of Exact Sciences
Classification: Likely benign for MUC16-related condition. Last evaluated: 2021-05-03. Review status: no assertion criteria provided. Collection method: clinical testing. Allele origin: germline.
Comment: This variant is classified as likely benign based on ACMG/AMP sequence variant interpretation guidelines (Richards et al. 2015 PMID: 25741868, with internal and published modifications).

NM_001401501.2(MUC16):c.39121_39122del (p.Ala13041fs)

Gene: MUC16 (mucin 16, cell surface associated; minus strand). Cytogenetic location: 19p13.2.
Variant type: Deletion.
Coding change: c.39121_39122del on transcript NM_001401501.2 (MANE Select); coding-DNA positions 39121 to 39122, 2 bases deleted (GC; older notation c.39121_39122delGC).
Protein change: p.Ala13041fs; shifts the reading frame from alanine 13041.
Molecular consequence: frameshift variant.
Genome position (GRCh38, 1-based): chr19:8,900,306-8,900,307, GC deleted on the plus strand (GC on the coding strand, the reverse complement: MUC16 is on the minus strand). VCF-style (leftmost placement, unchanged base first): chr19-8900305-GGC-G. GRCh37 (hg19) VCF-style: chr19-9010981-GGC-G.
Other names: c.39547_39548del, p.Ala13183fs (NM_001414686.1); c.39001_39002del, p.Ala13001fs (NM_001414687.1); c.38935_38936del, p.Ala12979fs (NM_024690.2); c.38935_38936delGC (NM_024690.2); short protein forms A12979fs, A13001fs, A13041fs, A13183fs.
Identifiers: ClinVar variation 3034570 (VCV003034570.2), dbSNP rs1349190359, ClinGen allele CA631398330.